The following is an entry in ClinVar:

ClinVar aggregate classification (germline): Pathogenic. Review status: criteria provided, multiple submitters, no conflicts (2 of 4 stars). 3 submissions from 3 submitters: Pathogenic (3). Last evaluated 2023-10-18.

Conditions:
Epidermolysis bullosa dystrophica. Also called: Dystrophic epidermolysis bullosa; Dystrophic epidermolysis bullosa, Hallopeau-Siemens type (formerly). Identifiers: Orphanet 303, MedGen C0079294, MONDO:0006543.

Allele frequency attached by ClinVar (database versions not stated): gnomAD exomes 0.00001.
gnomAD v4.1: 3 of 1,613,158 alleles (0.00019%); highest among the groups gnomAD compares: Admixed American, 0.0033%; no homozygotes.

Submissions (3):

Labcorp Genetics (formerly Invitae), Labcorp
Classification: Pathogenic. Last evaluated: 2023-10-18. Review status: criteria provided, single submitter. Criteria: Invitae Variant Classification Sherloc (09022015). Collection method: clinical testing. Allele origin: germline.
Comment: This sequence change affects an acceptor splice site in intron 23 of the COL7A1 gene. It is expected to disrupt RNA splicing. Variants that disrupt the donor or acceptor splice site typically lead to a loss of protein function (PMID: 16199547), and loss-of-function variants in COL7A1 are known to be pathogenic (PMID: 16971478). This variant is present in population databases (no rsID available, gnomAD 0.006%). Disruption of this splice site has been observed in individual(s) with autosomal recessive dystrophic epidermolysis bullosa (PMID: 34435747). This variant is also known as c.IVS23-1G>A. ClinVar contains an entry for this variant (Variation ID: 279786). Algorithms developed to predict the effect of sequence changes on RNA splicing suggest that this variant may disrupt the consensus splice site. For these reasons, this variant has been classified as Pathogenic.

GeneDx
Classification: Pathogenic. Last evaluated: 2022-08-05. Review status: criteria provided, single submitter. Criteria: GeneDx Variant Classification Process June 2021. Collection method: clinical testing. Allele origin: germline. Affected: yes.
Comment: Canonical splice site variant in a gene for which loss-of-function is a known mechanism of disease; This variant is associated with the following publications: (PMID: 30843184)

Biomedical Innovation Departament, CIEMAT
Classification: Pathogenic for Dystrophic epidermolysis bullosa. Last evaluated: 2019-01-24. Review status: criteria provided, single submitter. Criteria: ACMG Guidelines, 2015. Collection method: research. Allele origin: germline. Affected: yes. Observed: 1 variant allele.

Literature cited by the submitters: PubMed 16199547 (cited by Labcorp Genetics (formerly Invitae), Labcorp); PubMed 16971478 (cited by Labcorp Genetics (formerly Invitae), Labcorp); PubMed 34435747 (cited by Labcorp Genetics (formerly Invitae), Labcorp).

NM_000094.4(COL7A1):c.3140-1G>A

Gene: COL7A1 (collagen type VII alpha 1 chain; minus strand). Cytogenetic location: 3p21.31.
Variant type: single nucleotide variant.
Coding change: c.3140-1G>A on transcript NM_000094.4 (MANE Select); the canonical splice acceptor site of the intron before coding-DNA position 3140, G replaced by A.
Molecular consequence: splice acceptor variant.
Genome position (GRCh38, 1-based): chr3:48,587,109, C>T on the plus strand (G>A on the coding strand, the complement: COL7A1 is on the minus strand). VCF-style: chr3-48587109-C-T. GRCh37 (hg19) VCF-style: chr3-48624542-C-T.
Identifiers: ClinVar variation 279786 (VCV000279786.9), dbSNP rs886041187, ClinGen allele CA10602886.
Genomic context (GRCh38, chr3:48,587,109, plus strand): 5'-GAGCATTGTCTTGAGTGGCATGTGGTAGGAACACCACATCCGCCAGGCCACGGGGGCACA[C>T]TGTAGGAAGGGGAACAAGTTACTGAAGCGGGCAGCCCACCCAGACACACCTTTCTGCCCT-3'